The following is an entry in ClinVar:

NM_004281.4(BAG3):c.1307A>G (p.Glu436Gly)

Gene: BAG3 (BAG cochaperone 3; plus strand). Cytogenetic location: 10q26.11.
Variant type: single nucleotide variant.
Coding change: c.1307A>G on transcript NM_004281.4 (MANE Select); coding-DNA position 1307, A replaced by G.
Protein change: p.Glu436Gly; replaces glutamic acid 436 with glycine.
Molecular consequence: missense variant.
Genome position (GRCh38, 1-based): chr10:119,676,861, A>G. VCF-style: chr10-119676861-A-G. GRCh37 (hg19) VCF-style: chr10-121436373-A-G.
Other names: short protein forms E436G.
Identifiers: ClinVar variation 854079 (VCV000854079.13), dbSNP rs1847245034, ClinGen allele CA378297033.

ClinVar aggregate classification (germline): Uncertain significance. Review status: criteria provided, multiple submitters, no conflicts (2 of 4 stars). 3 submissions from 3 submitters: Uncertain significance (3). Last evaluated 2025-01-27.

Conditions:
Dilated cardiomyopathy 1HH (CMD1HH). Identifiers: Orphanet 154, MedGen C3151293, MONDO:0013479, OMIM 613881.
Myofibrillar myopathy 6. Identifiers: Orphanet 199340, MedGen C2751831, MONDO:0013061, OMIM 612954.
Cardiovascular phenotype. Identifiers: MedGen CN230736.

Allele frequency attached by ClinVar (database versions not stated): TOPMed below 0.00001.

Submissions (3):

Ambry Genetics
Classification: Uncertain significance for Cardiovascular phenotype. Last evaluated: 2025-01-27. Review status: criteria provided, single submitter. Criteria: Ambry Variant Classification Scheme 2023. Collection method: clinical testing. Allele origin: germline.

Fulgent Genetics
Classification: Uncertain significance for Myofibrillar myopathy 6; Dilated cardiomyopathy 1HH. Last evaluated: 2021-10-11. Review status: criteria provided, single submitter. Criteria: ACMG Guidelines, 2015. Collection method: clinical testing. Allele origin: unknown.

Labcorp Genetics (formerly Invitae), Labcorp
Classification: Uncertain significance for Dilated cardiomyopathy 1HH; Myofibrillar myopathy 6. Last evaluated: 2019-03-07. Review status: criteria provided, single submitter. Criteria: Invitae Variant Classification Sherloc (09022015). Collection method: clinical testing. Allele origin: germline.
Comment: In summary, the available evidence is currently insufficient to determine the role of this variant in disease. Therefore, it has been classified as a Variant of Uncertain Significance. Algorithms developed to predict the effect of missense changes on protein structure and function are either unavailable or do not agree on the potential impact of this missense change (SIFT: "Tolerated"; PolyPhen-2: "Not Available"; Align-GVGD: "Class C0"). This variant has not been reported in the literature in individuals with BAG3-related conditions. This variant is not present in population databases (ExAC no frequency). This sequence change replaces glutamic acid with glycine at codon 436 of the BAG3 protein (p.Glu436Gly). The glutamic acid residue is highly conserved and there is a moderate physicochemical difference between glutamic acid and glycine.